The following is an entry in ClinVar:

ClinVar aggregate classification (germline): Likely pathogenic (1 of 4 stars; one submission).

Conditions:
Rienhoff syndrome. Also called: LOEYS-DIETZ SYNDROME 5. Identifiers: MedGen C3810012, MONDO:0014262, OMIM 615582.

Submission:

Labcorp Genetics (formerly Invitae), Labcorp
Classification: Likely pathogenic for Rienhoff syndrome. Last evaluated: 2020-02-07. Review status: criteria provided, single submitter. Criteria: Invitae Variant Classification Sherloc (09022015). Collection method: clinical testing. Allele origin: germline.
Comment: This variant has not been reported in the literature in individuals with TGFB3-related conditions. This variant is a gross deletion of the genomic region encompassing exons 2-7 of the TGFB3 gene. The 5' boundary is likely confined to intron 1. The 3' end of this event is unknown as it extends through the termination codon beyond the assayed region for this gene and may encompass additional genes. While this deletion is not anticipated to result in nonsense mediated decay, it is expected to create a truncated protein product or disrupt mRNA translation. This variant disrupts the p.Arg300 amino acid residue in TGFB3. Other variant(s) that disrupt this residue have been observed in individuals with TGFB3-related conditions (PMID:¬†25835445,¬†24798638, 28425089, Invitae), suggesting that it is a clinically significant residue. As a result, variants that disrupt this residue are likely to be causative of disease. In summary, the currently available evidence indicates that the variant is pathogenic, but additional data are needed to prove that conclusively. Therefore, this variant has been classified as Likely Pathogenic.

NC_000014.9:g.(?_75958692)_(75971728_?)del

Genes: TGFB3 (transforming growth factor beta 3; minus strand), LOC130056139 (ATAC-STARR-seq lymphoblastoid silent region 5952; plus strand). Cytogenetic location: 14q24.3.
Variant type: Deletion.
Identifiers: ClinVar variation 663430 (VCV000663430.45).